The following is an entry in ClinVar:

ClinVar aggregate classification (germline): Uncertain significance (1 of 4 stars; one submission).

Conditions:
PLXNA4-related disorder. Also called: PLXNA4-related condition.

gnomAD v4.1: 1 of 1,613,990 alleles (0.000062%); highest among the groups gnomAD compares: Non-Finnish European, 0.000085%; no homozygotes.

Submission:

PreventionGenetics, part of Exact Sciences
Classification: Uncertain significance for PLXNA4-related condition. Last evaluated: 2026-09-17. Review status: criteria provided, single submitter. Criteria: ACMG Guidelines, 2015. Collection method: clinical testing. Allele origin: germline.
Comment: The PLXNA4 c.1469C>T variant is predicted to result in the amino acid substitution p.Ser490Leu. This variant corresponds to a deep intronic position in the MANE transcript for this gene (NM_020911:c.1372-86976C>T). To our knowledge, this variant has not been reported in the literature or in a large population database (gnomAD), indicating this variant is rare. At this time, the clinical significance of this variant is uncertain due to the absence of conclusive functional and genetic evidence.

NM_020911.2(PLXNA4):c.1372-86976C>T

Gene: PLXNA4 (plexin A4; minus strand). Cytogenetic location: 7q32.3.
Variant type: single nucleotide variant.
Coding change: c.1372-86976C>T on transcript NM_020911.2 (MANE Select); 86976 bases into the intron before coding-DNA position 1372, C replaced by T.
Molecular consequence: intron variant. On other transcripts: missense variant (1).
Genome position (GRCh38, 1-based): chr7:132,385,198, G>A on the plus strand (C>T on the coding strand, the complement: PLXNA4 is on the minus strand). VCF-style: chr7-132385198-G-A. GRCh37 (hg19) VCF-style: chr7-132069957-G-A.
Other names: c.1469C>T, p.Ser490Leu (NM_001105543.2); c.1372-86976C>T (NM_001393897.1); short protein forms S490L.
Identifiers: ClinVar variation 4987051 (VCV004987051.1).
Genomic context (GRCh38, chr7:132,385,198, plus strand): 5'-TCCAAGGCTGACAACACACTAAATAAGCCTACACAGCTCTGAAGTTTTTCTCAGTTTGAT[G>A]AACAGCTGGAGAACAGGAGTTCCAGAGTCACTGTTGCTCTGTGGGATCGGGGTCCCGTCT-3'